The following is an entry in ClinVar:

NM_001291303.3(FAT4):c.2702A>G (p.Asn901Ser)

Gene: FAT4 (FAT atypical cadherin 4; plus strand). Cytogenetic location: 4q28.1.
Variant type: single nucleotide variant.
Coding change: c.2702A>G on transcript NM_001291303.3 (MANE Select); coding-DNA position 2702, A replaced by G.
Protein change: p.Asn901Ser; replaces asparagine 901 with serine.
Molecular consequence: missense variant.
Genome position (GRCh38, 1-based): chr4:125,319,113, A>G. VCF-style: chr4-125319113-A-G. GRCh37 (hg19) VCF-style: chr4-126240268-A-G.
Other names: c.2702A>G (NM_024582.5); c.2702A>G, p.Asn901Ser (NM_001291285.3, NM_024582.6); short protein forms N901S.
Identifiers: ClinVar variation 1482623 (VCV001482623.7), dbSNP rs2125942162, ClinGen allele CA358120907.

ClinVar aggregate classification (germline): Uncertain significance. Review status: criteria provided, multiple submitters, no conflicts (2 of 4 stars). 2 submissions from 2 submitters: Uncertain significance (2). Last evaluated 2025-07-10.

Conditions:
Hennekam lymphangiectasia-lymphedema syndrome 2 (HKLLS2). Identifiers: Orphanet 2136, MedGen C4014939, MONDO:0014454, OMIM 616006.
Van Maldergem syndrome 2 (VMLDS2). Identifiers: Orphanet 314679, MedGen C3809875, MONDO:0014242, OMIM 615546.

Submissions (2):

Labcorp Genetics (formerly Invitae), Labcorp
Classification: Uncertain significance. Last evaluated: 2025-07-10. Review status: criteria provided, single submitter. Criteria: Invitae Variant Classification Sherloc (09022015). Collection method: clinical testing. Allele origin: germline.
Comment: This sequence change replaces asparagine, which is neutral and polar, with serine, which is neutral and polar, at codon 901 of the FAT4 protein (p.Asn901Ser). This variant is not present in population databases (gnomAD no frequency). This variant has not been reported in the literature in individuals affected with FAT4-related conditions. ClinVar contains an entry for this variant (Variation ID: 1482623). Invitae Evidence Modeling of protein sequence and biophysical properties (such as structural, functional, and spatial information, amino acid conservation, physicochemical variation, residue mobility, and thermodynamic stability) has been performed for this missense variant. However, the output from this modeling did not meet the statistical confidence thresholds required to predict the impact of this variant on FAT4 protein function. In summary, the available evidence is currently insufficient to determine the role of this variant in disease. Therefore, it has been classified as a Variant of Uncertain Significance.

Fulgent Genetics
Classification: Uncertain significance for Van Maldergem syndrome 2; Hennekam lymphangiectasia-lymphedema syndrome 2. Last evaluated: 2024-04-15. Review status: criteria provided, single submitter. Criteria: ACMG Guidelines, 2015. Collection method: clinical testing. Allele origin: germline.